The following is an entry in ClinVar:

NM_001363711.2(DUOX2):c.1275T>G (p.Tyr425Ter)

Gene: DUOX2 (dual oxidase 2; minus strand). Cytogenetic location: 15q21.1.
Variant type: single nucleotide variant.
Coding change: c.1275T>G on transcript NM_001363711.2 (MANE Select); coding-DNA position 1275, T replaced by G.
Protein change: p.Tyr425Ter; replaces tyrosine 425 with a stop codon.
Molecular consequence: nonsense.
Genome position (GRCh38, 1-based): chr15:45,108,912, A>C on the plus strand (T>G on the coding strand, the complement: DUOX2 is on the minus strand). VCF-style: chr15-45108912-A-C. GRCh37 (hg19) VCF-style: chr15-45401110-A-C.
Other names: c.1275T>G, p.Tyr425Ter (NM_014080.5); c.1275T>G (NM_014080.4); short protein forms Y425*.
Identifiers: ClinVar variation 2736209 (VCV002736209.6), dbSNP rs761385278, ClinGen allele CA7538666.

ClinVar aggregate classification (germline): Pathogenic. Review status: criteria provided, multiple submitters, no conflicts (2 of 4 stars). 3 submissions from 3 submitters: Pathogenic (3). Last evaluated 2025-12-30.

Conditions:
DUOX2-related disorders.
Thyroid dyshormonogenesis 6 (TDH6). Also called: HYPOTHYROIDISM, CONGENITAL, DUE TO DYSHORMONOGENESIS, 6; THYROID HORMONOGENESIS, GENETIC DEFECT IN, 6; Genetic transient congenital hypothyroidism. Identifiers: Orphanet 226316, Orphanet 95716, MedGen C1846632, MONDO:0011792, OMIM 607200.

Allele frequency attached by ClinVar (database versions not stated): ExAC 0.00001; gnomAD 0.00001.
gnomAD v4.1: 29 of 1,614,116 alleles (0.0018%); highest among the groups gnomAD compares: South Asian, 0.018%; no homozygotes.

Submissions (3):

Labcorp Genetics (formerly Invitae), Labcorp
Classification: Pathogenic. Last evaluated: 2025-12-30. Review status: criteria provided, single submitter. Criteria: Invitae Variant Classification Sherloc (09022015). Collection method: clinical testing. Allele origin: germline.
Comment: This sequence change creates a premature translational stop signal (p.Tyr425*) in the DUOX2 gene. It is expected to result in an absent or disrupted protein product. Loss-of-function variants in DUOX2 are known to be pathogenic (PMID: 12110737, 18765513, 21565790, 24423310, 24735383). This variant is present in population databases (rs761385278, gnomAD 0.01%). This premature translational stop signal has been observed in individual(s) with congenital hypothyroidism (PMID: 28504502). ClinVar contains an entry for this variant (Variation ID: 2736209). Algorithms developed to predict the effect of sequence changes on RNA splicing suggest that this variant may disrupt the consensus splice site. For these reasons, this variant has been classified as Pathogenic.

Fulgent Genetics
Classification: Pathogenic for Thyroid dyshormonogenesis 6. Last evaluated: 2024-02-23. Review status: criteria provided, single submitter. Criteria: ACMG Guidelines, 2015. Collection method: clinical testing. Allele origin: germline.

Blueprint Genetics
Classification: Pathogenic for DUOX2-related disorders. Last evaluated: 2024-02-14. Review status: criteria provided, single submitter. Criteria: ACMG Guidelines, 2015. Collection method: clinical testing. Allele origin: germline. Affected: yes. Observed: 1 variant allele.

Literature cited by the submitters: PubMed 12110737 (cited by Labcorp Genetics (formerly Invitae), Labcorp); PubMed 18765513 (cited by Labcorp Genetics (formerly Invitae), Labcorp); PubMed 21565790 (cited by Labcorp Genetics (formerly Invitae), Labcorp); PubMed 24423310 (cited by Labcorp Genetics (formerly Invitae), Labcorp); PubMed 24735383 (cited by Labcorp Genetics (formerly Invitae), Labcorp); PubMed 28504502 (cited by Labcorp Genetics (formerly Invitae), Labcorp).